The following is an entry in ClinVar:

ClinVar aggregate classification (germline): Benign. Review status: criteria provided, multiple submitters, no conflicts (2 of 4 stars). 2 submissions from 2 submitters: Benign (2). Last evaluated 2026-02-02.

Allele frequency attached by ClinVar (database versions not stated): gnomAD 0.00003 and 0.00079; TOPMed 0.00011; gnomAD exomes 0.00124 and 0.00253; ExAC 0.00289; 1000 Genomes Project 30x 0.00406; 1000 Genomes Project 0.00439.
gnomAD v4.1: 1,947 of 1,614,162 alleles (0.12%); highest among the groups gnomAD compares: South Asian, 2%; 38 homozygotes.

Submissions (2):

Labcorp Genetics (formerly Invitae), Labcorp
Classification: Benign. Last evaluated: 2026-02-02. Review status: criteria provided, single submitter. Criteria: Invitae Variant Classification Sherloc (09022015). Collection method: clinical testing. Allele origin: germline.

Mayo Clinic Laboratories, Mayo Clinic
Classification: Benign. Last evaluated: 2025-08-18. Review status: criteria provided, single submitter. Criteria: ACMG Guidelines, 2015. Collection method: clinical testing. Allele origin: germline. Observed: 1 variant allele.
Comment: BS1, BS2

NM_024928.5(STN1):c.1020C>T (p.Ser340=)

Gene: STN1 (STN1 subunit of CST complex; minus strand). Cytogenetic location: 10q24.33.
Variant type: single nucleotide variant.
Coding change: c.1020C>T on transcript NM_024928.5 (MANE Select); coding-DNA position 1020, C replaced by T.
Protein change: p.Ser340=; no amino-acid change (serine 340 retained).
Molecular consequence: synonymous variant.
Genome position (GRCh38, 1-based): chr10:103,882,771, G>A on the plus strand (C>T on the coding strand, the complement: STN1 is on the minus strand). VCF-style: chr10-103882771-G-A. GRCh37 (hg19) VCF-style: chr10-105642529-G-A.
Other names: p.Ser340=.
Identifiers: ClinVar variation 1169893 (VCV001169893.10), dbSNP rs532082599, ClinGen allele CA5676416.
Genomic context (GRCh38, chr10:103,882,771, plus strand): 5'-TGTGCTGACAATGTCACTCTGGTCCTCCAGGAGCTCCAGAACTTGCTGCAGCACAGCCTC[G>A]CTCAGGCCCGGGCGGATGCTCAGGCGAGCACAGGCCAAGATGTGCAGGAAGTGACAGCCC-3'
Protein context (NP_079204.2, residues 330-350): CARLSIRPGL[Ser340=]EAVLQQVLEL